The following is an entry in ClinVar:

NM_000587.4(C7):c.2166A>T (p.Gly722=)

Gene: C7 (complement C7; plus strand). Cytogenetic location: 5p13.1.
Variant type: single nucleotide variant.
Coding change: c.2166A>T on transcript NM_000587.4 (MANE Select); coding-DNA position 2166, A replaced by T.
Protein change: p.Gly722=; no amino-acid change (glycine 722 retained).
Molecular consequence: synonymous variant.
Genome position (GRCh38, 1-based): chr5:40,979,725, A>T. VCF-style: chr5-40979725-A-T. GRCh37 (hg19) VCF-style: chr5-40979827-A-T.
Identifiers: ClinVar variation 1970248 (VCV001970248.5), dbSNP rs2478284002, ClinGen allele CA443961928.
Genomic context (GRCh38, chr5:40,979,725, plus strand): 5'-TCCTTCTCAGCTTTTACGAACAAAAATCTTGTAAATAATGTCATTAAAAATTCTTTTCAG[A>T]CCTTCCTTGGATGTATGTGCTCAAGATGAGAGAAGCAAAAGGATACTGCCTCTGACAGTT-3'
Protein context (NP_000578.2, residues 712-732): RCVCKMPYEC[Gly722=]PSLDVCAQDE

ClinVar aggregate classification (germline): Uncertain significance (1 of 4 stars; one submission).

Submission:

Labcorp Genetics (formerly Invitae), Labcorp
Classification: Uncertain significance. Last evaluated: 2022-01-15. Review status: criteria provided, single submitter. Criteria: Invitae Variant Classification Sherloc (09022015). Collection method: clinical testing. Allele origin: germline.
Comment: In summary, the available evidence is currently insufficient to determine the role of this variant in disease. Therefore, it has been classified as a Variant of Uncertain Significance. Algorithms developed to predict the effect of sequence changes on RNA splicing suggest that this variant is not likely to affect RNA splicing. This variant has not been reported in the literature in individuals affected with C7-related conditions. This variant is not present in population databases (gnomAD no frequency). This sequence change affects codon 722 of the C7 mRNA. It is a 'silent' change, meaning that it does not change the encoded amino acid sequence of the C7 protein. It affects a nucleotide within the consensus splice site.